The following is an entry in ClinVar:

NM_000368.5(TSC1):c.2813+6T>C

Gene: TSC1 (TSC complex subunit 1; minus strand). Cytogenetic location: 9q34.13.
Variant type: single nucleotide variant.
Coding change: c.2813+6T>C on transcript NM_000368.5 (MANE Select); 6 bases into the intron after coding-DNA position 2813, T replaced by C.
Molecular consequence: intron variant.
Genome position (GRCh38, 1-based): chr9:132,897,417, A>G on the plus strand (T>C on the coding strand, the complement: TSC1 is on the minus strand). VCF-style: chr9-132897417-A-G. GRCh37 (hg19) VCF-style: chr9-135772804-A-G.
Other names: c.2450+6T>C (NM_001362177.2); c.2660+6T>C (NM_001162427.2); c.2810+6T>C (NM_001162426.2).
Identifiers: ClinVar variation 860716 (VCV000860716.9), dbSNP rs1845135110, ClinGen allele CA916081564.
Genomic context (GRCh38, chr9:132,897,417, plus strand): 5'-AGACCAGCCAGAATATAGGAAGTTCCACTTAATAAAAACACAAAAGCCTTTCCTGATGAA[A>G]GTTACCTTGCCTGGAGTTTGACATCCTCTAGATATTTCTTCTGTTCCAAAAGAAGGTGGT-3'

ClinVar aggregate classification (germline): Uncertain significance (1 of 4 stars; one submission).

Conditions:
Tuberous sclerosis 1 (TSC1). Identifiers: Orphanet 805, MedGen C1854465, MONDO:0008612, OMIM 191100.

Allele frequency attached by ClinVar (database versions not stated): gnomAD exomes below 0.00001.
gnomAD v4.1: 1 of 1,614,220 alleles (0.000062%); highest among the groups gnomAD compares: South Asian, 0.0011%; no homozygotes.

Submission:

Labcorp Genetics (formerly Invitae), Labcorp
Classification: Uncertain significance for Tuberous sclerosis 1. Last evaluated: 2025-11-19. Review status: criteria provided, single submitter. Criteria: Invitae Variant Classification Sherloc (09022015). Collection method: clinical testing. Allele origin: germline.
Comment: This sequence change falls in intron 21 of the TSC1 gene. It does not directly change the encoded amino acid sequence of the TSC1 protein. It affects a nucleotide within the consensus splice site. This variant is not present in population databases (gnomAD no frequency). This variant has not been reported in the literature in individuals affected with TSC1-related conditions. ClinVar contains an entry for this variant (Variation ID: 860716). Variants that disrupt the consensus splice site are a relatively common cause of aberrant splicing (PMID: 17576681, 9536098). Algorithms developed to predict the effect of sequence changes on RNA splicing suggest that this variant is not likely to affect RNA splicing. In summary, the available evidence is currently insufficient to determine the role of this variant in disease. Therefore, it has been classified as a Variant of Uncertain Significance.

Literature cited by the submitters: PubMed 17576681; PubMed 9536098.